The following is an entry in ClinVar:

ClinVar aggregate classification (germline): Uncertain significance. Review status: criteria provided, multiple submitters, no conflicts (2 of 4 stars). 2 submissions from 2 submitters: Uncertain significance (2). Last evaluated 2025-06-24.

Conditions:
Inborn genetic diseases. Identifiers: MedGen C0950123, MeSH D030342.

Allele frequency attached by ClinVar (database versions not stated): gnomAD 0.00001; ExAC 0.00002; gnomAD exomes 0.00002.
gnomAD v4.1: 24 of 1,612,550 alleles (0.0015%); highest among the groups gnomAD compares: Non-Finnish European, 0.0019%; no homozygotes.

Submissions (2):

Ambry Genetics
Classification: Uncertain significance for Inborn genetic diseases. Last evaluated: 2025-06-24. Review status: criteria provided, single submitter. Criteria: Ambry Variant Classification Scheme 2023. Collection method: clinical testing. Allele origin: germline.

Labcorp Genetics (formerly Invitae), Labcorp
Classification: Uncertain significance. Last evaluated: 2022-08-06. Review status: criteria provided, single submitter. Criteria: Invitae Variant Classification Sherloc (09022015). Collection method: clinical testing. Allele origin: germline.
Comment: This sequence change replaces proline, which is neutral and non-polar, with leucine, which is neutral and non-polar, at codon 957 of the SKIV2L protein (p.Pro957Leu). This variant is present in population databases (rs764745264, gnomAD 0.004%). This variant has not been reported in the literature in individuals affected with SKIV2L-related conditions. Algorithms developed to predict the effect of missense changes on protein structure and function are either unavailable or do not agree on the potential impact of this missense change (SIFT: "Tolerated"; PolyPhen-2: "Probably Damaging"; Align-GVGD: "Class C0"). Algorithms developed to predict the effect of sequence changes on RNA splicing suggest that this variant may create or strengthen a splice site. In summary, the available evidence is currently insufficient to determine the role of this variant in disease. Therefore, it has been classified as a Variant of Uncertain Significance.

NM_006929.5(SKIC2):c.2870C>T (p.Pro957Leu)

Gene: SKIC2 (SKI2 subunit of superkiller complex; plus strand). Cytogenetic location: 6p21.33.
Variant type: single nucleotide variant.
Coding change: c.2870C>T on transcript NM_006929.5 (MANE Select); coding-DNA position 2870, C replaced by T.
Protein change: p.Pro957Leu; replaces proline 957 with leucine.
Molecular consequence: missense variant.
Genome position (GRCh38, 1-based): chr6:31,968,339, C>T. VCF-style: chr6-31968339-C-T. GRCh37 (hg19) VCF-style: chr6-31936116-C-T.
Other names: c.2870C>T (NM_006929.4); short protein forms P957L.
Identifiers: ClinVar variation 1930716 (VCV001930716.3), dbSNP rs764745264, ClinGen allele CA3729903.
Genomic context (GRCh38, chr6:31,968,339, plus strand): 5'-GGGGGAGAGAAGATCTTACCCCAGATCTTAAGATCTGCTCCCTCTTCAGGAAGGATCCTC[C>T]CCTTGCAGCCGTGACCACTGCTGTCCAGGAACTGCTGCGTCTGGCTCAGGCCCACCCAGC-3'
Protein context (NP_008860.4, residues 947-967): RQQPKFKKDP[Pro957Leu]LAAVTTAVQE